The following is an entry in ClinVar:

ClinVar aggregate classification (germline): Uncertain significance. Review status: criteria provided, multiple submitters, no conflicts (2 of 4 stars). 3 submissions from 3 submitters: Uncertain significance (2). 1 of the submissions does not count toward it. Last evaluated 2025-06-10.

Conditions:
Inborn genetic diseases. Identifiers: MedGen C0950123, MeSH D030342.

Allele frequency attached by ClinVar (database versions not stated): TOPMed below 0.00001; gnomAD exomes below 0.00001.
gnomAD v4.1: 5 of 1,614,018 alleles (0.00031%); highest among the groups gnomAD compares: Non-Finnish European, 0.00042%; no homozygotes.

Submissions (3):

GeneDx
Classification: Uncertain significance. Last evaluated: 2025-06-10. Review status: criteria provided, single submitter. Criteria: GeneDx Variant Classification Process June 2021. Collection method: clinical testing. Allele origin: germline. Affected: yes.
Comment: Reported as a de novo variant in a patient with developmental delay, intellectual disability, and dysmorphic features in published literature; however, a de novo variant in another gene was also identified in this individual (PMID: 30879638); Not observed at significant frequency in large population cohorts (gnomAD); In silico analysis supports that this missense variant has a deleterious effect on protein structure/function; This variant is associated with the following publications: (PMID: 30879638)

Ambry Genetics
Classification: Uncertain significance for Inborn genetic diseases. Last evaluated: 2022-10-09. Review status: criteria provided, single submitter. Criteria: Ambry Variant Classification Scheme 2023. Collection method: clinical testing. Allele origin: germline.
Comment: The c.194G>A (p.R65Q) alteration is located in exon 3 (coding exon 3) of the BRSK2 gene. This alteration results from a G to A substitution at nucleotide position 194, causing the arginine (R) at amino acid position 65 to be replaced by a glutamine (Q). This variant was not reported in population-based cohorts in the Genome Aggregation Database (gnomAD). This amino acid position is well conserved in available vertebrate species. This alteration is predicted to be tolerated by in silico analysis. Based on insufficient or conflicting evidence, the clinical significance of this alteration remains unclear.

Genetics and Genomic Medicine Centre, NeuroGen Healthcare, NeuroGen Healthcare
Classification: Uncertain significance. Last evaluated: 2022-02-03. Review status: no assertion criteria provided. Collection method: clinical testing. Allele origin: unknown. Affected: yes. Not counted in ClinVar's aggregate classification.

Literature cited by the submitters: PubMed 30879638 (cited by Ambry Genetics).

NM_001256627.2(BRSK2):c.194G>A (p.Arg65Gln)

Gene: BRSK2 (BR serine/threonine kinase 2; plus strand). Cytogenetic location: 11p15.5.
Variant type: single nucleotide variant.
Coding change: c.194G>A on transcript NM_001256627.2 (MANE Select); coding-DNA position 194, G replaced by A.
Protein change: p.Arg65Gln; replaces arginine 65 with glutamine.
Molecular consequence: missense variant. On other transcripts: non-coding transcript variant (1).
Genome position (GRCh38, 1-based): chr11:1,438,313, G>A. VCF-style: chr11-1438313-G-A. GRCh37 (hg19) VCF-style: chr11-1459543-G-A.
Other names: c.194G>A (NM_001256627.1); c.194G>A, p.Arg65Gln (NM_001256629.2, NM_003957.4); c.332G>A, p.Arg111Gln (NM_001256630.1); c.14G>A, p.Arg5Gln (NM_001282218.2); short protein forms R5Q, R65Q, R111Q.
Identifiers: ClinVar variation 2309027 (VCV002309027.5), dbSNP rs1850616527, ClinGen allele CA379056350.
Genomic context (GRCh38, chr11:1,438,313, plus strand): 5'-CGATGCGTGCCCCAGCCCTGTGAGCGTGATGTTCTCTGGCCTCTCCCATGCAGGTGGAGC[G>A]GGAGATCGCGATCCTGAAGCTCATTGAGCACCCCCACGTCCTAAAGCTGCACGACGTTTA-3'
Protein context (NP_001243556.1, residues 55-75): LSESVLMKVE[Arg65Gln]EIAILKLIEH